The following is an entry in ClinVar:

ClinVar aggregate classification (germline): Pathogenic (1 of 4 stars; one submission).

Conditions:
Hereditary cancer-predisposing syndrome. Also called: Tumor predisposition; Hereditary neoplastic syndrome; Neoplastic Syndromes, Hereditary; Hereditary Cancer Syndrome. Identifiers: Orphanet 140162, MedGen C0027672, MeSH D009386, MONDO:0015356.

Submission:

Ambry Genetics
Classification: Pathogenic for Hereditary cancer-predisposing syndrome. Last evaluated: 2025-03-21. Review status: criteria provided, single submitter. Criteria: Ambry Variant Classification Scheme 2023. Collection method: clinical testing. Allele origin: germline.
Comment: The c.632_635delTAGCinsAGG pathogenic mutation, located in coding exon 4 of the BARD1 gene, results from the deletion of 4 nucleotides (TAGC) and insertion of 3 nucleotides (AGG) causing a translational frameshift with a predicted alternate stop codon (p.L211*). This variant is considered to be rare based on population cohorts in the Genome Aggregation Database (gnomAD). This alteration is expected to result in loss of function by premature protein truncation or nonsense-mediated mRNA decay. As such, this alteration is interpreted as a disease-causing mutation.

NM_000465.4(BARD1):c.632_635delinsAGG (p.Leu211_Ala212delinsTer)

Gene: BARD1 (BRCA1 associated RING domain 1; minus strand). Cytogenetic location: 2q35.
Variant type: Indel.
Coding change: c.632_635delinsAGG on transcript NM_000465.4 (MANE Select); coding-DNA positions 632 to 635, TAGC replaced by AGG.
Protein change: p.Leu211_Ala212delinsTer.
Molecular consequence: nonsense. On other transcripts: non-coding transcript variant (2), intron variant (3).
Genome position (GRCh38, 1-based): chr2:214,781,239-214,781,242, GCTA replaced by CCT on the plus strand (TAGC replaced by AGG on the coding strand, the reverse complement: BARD1 is on the minus strand). VCF-style: chr2-214781239-GCTA-CCT. GRCh37 (hg19) VCF-style: chr2-215645963-GCTA-CCT.
Other names: c.575_578delinsAGG, p.Leu192_Ala193delinsTer (NM_001282543.2); c.158+28170_158+28173delinsAGG (NM_001282548.2); c.215+15819_215+15822delinsAGG (NM_001282545.2); c.364+11055_364+11058delinsAGG (NM_001282549.2).
Identifiers: ClinVar variation 3988204 (VCV003988204.1).